The following is an entry in ClinVar:

ClinVar aggregate classification (germline): Conflicting classifications of pathogenicity. Review status: criteria provided, conflicting classifications (1 of 4 stars). 6 submissions from 6 submitters: Pathogenic (1); Likely pathogenic (1); Uncertain significance (3). 1 of the submissions does not count toward it. Last evaluated 2025-02-11.

Conditions:
Polymerase proofreading-related adenomatous polyposis. Also called: Polymerase proofreading associated polyposis; Polymerase proofreading–associated polyposis (PPAP). Identifiers: Orphanet 447877, MedGen C5202613, MONDO:0018653.
Hereditary cancer-predisposing syndrome. Also called: Tumor predisposition; Hereditary neoplastic syndrome; Neoplastic Syndromes, Hereditary; Hereditary Cancer Syndrome. Identifiers: Orphanet 140162, MedGen C0027672, MeSH D009386, MONDO:0015356.
Colorectal cancer, susceptibility to, 12 (CRCS12). Also called: COLORECTAL CANCER, SUSCEPTIBILITY TO, ON CHROMOSOME 12q24. Identifiers: Orphanet 220460, MedGen C3554460, MONDO:0014038, OMIM 615083.

Allele frequency attached by ClinVar (database versions not stated): gnomAD 0.00001; gnomAD exomes 0.00002; TOPMed 0.00002; ExAC 0.00003; ESP Exome Variant Server 0.00008.
gnomAD v4.1: 16 of 1,613,854 alleles (0.00099%); highest among the groups gnomAD compares: African/African-American, 0.0053%; no homozygotes.

Submissions (6):

GeneDx
Classification: Likely pathogenic. Last evaluated: 2025-02-11. Review status: criteria provided, single submitter. Criteria: GeneDx Variant Classification Process June 2021. Collection method: clinical testing. Allele origin: germline. Affected: yes.
Comment: Nonsense variant predicted to result in protein truncation or nonsense mediated decay in a gene for which loss of function is a known mechanism of disease; Not observed at significant frequency in large population cohorts (gnomAD); Observed in a patient with congenital heart disease, which is not an established association of deleterious POLE variants (PMID: 28991257); This variant is associated with the following publications: (PMID: 30459213, 32368696, 33084842, 23263490, 25529843, 28991257, 31941532)

Ambry Genetics
Classification: Uncertain significance for Hereditary cancer-predisposing syndrome. Last evaluated: 2024-12-17. Review status: criteria provided, single submitter. Criteria: Ambry Variant Classification Scheme 2023. Collection method: clinical testing. Allele origin: germline.
Comment: The p.R1371* variant (also known as c.4111C>T), located in coding exon 32 of the POLE gene, results from a C to T substitution at nucleotide position 4111. This changes the amino acid from an arginine to a stop codon within coding exon 32. This alteration is expected to result in loss of function by premature protein truncation or nonsense-mediated mRNA decay. Loss-of-function variants subject to nonsense mediated decay (NMD) in POLE are known to cause POLE deficiency; however, such associations with POLE-related polymerase proofreading-associated polyposis (PPAP) have not been reported. Based on the supporting evidence, this alteration is pathogenic for POLE deficiency; however, the association of this alteration with POLE-related PPAP is unknown.

Labcorp Genetics (formerly Invitae), Labcorp
Classification: Pathogenic. Last evaluated: 2024-11-07. Review status: criteria provided, single submitter. Criteria: Invitae Variant Classification Sherloc (09022015). Collection method: clinical testing. Allele origin: germline.
Comment: This sequence change creates a premature translational stop signal (p.Arg1371*) in the POLE gene. It is expected to result in an absent or disrupted protein product. Loss-of-function variants in POLE are known to be pathogenic (PMID: 23230001, 25948378, 30503519). This variant is present in population databases (rs151278283, gnomAD 0.01%). This variant has not been reported in the literature in individuals affected with POLE-related conditions. ClinVar contains an entry for this variant (Variation ID: 371979). Studies have shown that this premature translational stop signal is associated with inconclusive levels of altered splicing (internal data). For these reasons, this variant has been classified as Pathogenic.

Greenwood Genetic Center Diagnostic Laboratories, Greenwood Genetic Center
Classification: Uncertain significance. Last evaluated: 2022-03-02. Review status: criteria provided, single submitter. Criteria: ACMG Guidelines, 2015. Collection method: clinical testing. Allele origin: germline. Affected: yes.
Comment: PM2

Department of Pathology and Laboratory Medicine, Sinai Health System
Classification: Uncertain significance for Polymerase proofreading-related adenomatous polyposis. Last evaluated: 2020-08-19. Review status: criteria provided, single submitter. Criteria: ACMG Guidelines, 2015. Collection method: clinical testing. Allele origin: germline. Affected: yes.

Counsyl
Classification: Uncertain significance for Colorectal cancer, susceptibility to, 12. Last evaluated: 2016-09-29. Review status: no assertion criteria provided. Collection method: clinical testing. Allele origin: unknown. Not counted in ClinVar's aggregate classification.

Literature cited by the submitters: PubMed 23230001 (cited by Labcorp Genetics (formerly Invitae), Labcorp); PubMed 25948378 (cited by Labcorp Genetics (formerly Invitae), Labcorp); PubMed 30503519 (cited by Labcorp Genetics (formerly Invitae), Labcorp); PubMed 23447401 (cited by Department of Pathology and Laboratory Medicine, Sinai Health System).

NM_006231.4(POLE):c.4111C>T (p.Arg1371Ter)

Gene: POLE (DNA polymerase epsilon, catalytic subunit; minus strand). Cytogenetic location: 12q24.33.
Variant type: single nucleotide variant.
Coding change: c.4111C>T on transcript NM_006231.4 (MANE Select); coding-DNA position 4111, C replaced by T.
Protein change: p.Arg1371Ter; replaces arginine 1371 with a stop codon.
Molecular consequence: nonsense.
Genome position (GRCh38, 1-based): chr12:132,648,967, G>A on the plus strand (C>T on the coding strand, the complement: POLE is on the minus strand). VCF-style: chr12-132648967-G-A. GRCh37 (hg19) VCF-style: chr12-133225553-G-A.
Other names: short protein forms R1371*.
Identifiers: ClinVar variation 371979 (VCV000371979.20), dbSNP rs151278283, ClinGen allele CA6892998.